The following is an entry in ClinVar:

ClinVar aggregate classification (germline): Uncertain significance (1 of 4 stars; one submission).

Conditions:
Familial thoracic aortic aneurysm and aortic dissection (TAAD). Also called: Thoracic aortic aneurysms and dissections. Identifiers: Orphanet 91387, MedGen C4707243, MONDO:0019625.
Hereditary cancer-predisposing syndrome. Also called: Neoplastic Syndromes, Hereditary; Tumor predisposition; Hereditary Cancer Syndrome; Hereditary neoplastic syndrome. Identifiers: Orphanet 140162, MedGen C0027672, MeSH D009386, MONDO:0015356.

Submission:

Ambry Genetics
Classification: Uncertain significance for Hereditary cancer-predisposing syndrome; Familial thoracic aortic aneurysm and aortic dissection. Last evaluated: 2026-06-03. Review status: criteria provided, single submitter. Criteria: Ambry Variant Classification Scheme 2023. Collection method: clinical testing. Allele origin: germline.
Comment: The p.Y430C variant (also known as c.1289A>G), located in coding exon 9 of the SMAD4 gene, results from an A to G substitution at nucleotide position 1289. The tyrosine at codon 430 is replaced by cysteine, an amino acid with highly dissimilar properties. This amino acid position is conserved. In addition, this alteration is predicted to be deleterious by in silico analysis. Based on the available evidence, the clinical significance of this variant remains unclear.

NM_005359.6(SMAD4):c.1289A>G (p.Tyr430Cys)

Gene: SMAD4 (SMAD family member 4; plus strand). Cytogenetic location: 18q21.2.
Variant type: single nucleotide variant.
Coding change: c.1289A>G on transcript NM_005359.6 (MANE Select); coding-DNA position 1289, A replaced by G.
Protein change: p.Tyr430Cys; replaces tyrosine 430 with cysteine.
Molecular consequence: missense variant. On other transcripts: non-coding transcript variant (1).
Genome position (GRCh38, 1-based): chr18:51,067,168, A>G. VCF-style: chr18-51067168-A-G. GRCh37 (hg19) VCF-style: chr18-48593538-A-G.
Other names: c.1289A>G, p.Tyr430Cys (NM_001407041.1, NM_001407042.1); short protein forms Y430C.
Identifiers: ClinVar variation 4045045 (VCV004045045.2).